The following is an entry in ClinVar:

NM_005751.5(AKAP9):c.3955G>A (p.Val1319Ile)

Gene: AKAP9 (A-kinase anchoring protein 9; plus strand). Cytogenetic location: 7q21.2.
Variant type: single nucleotide variant.
Coding change: c.3955G>A on transcript NM_005751.5 (MANE Select); coding-DNA position 3955, G replaced by A.
Protein change: p.Val1319Ile; replaces valine 1319 with isoleucine.
Molecular consequence: missense variant.
Genome position (GRCh38, 1-based): chr7:92,022,816, G>A. VCF-style: chr7-92022816-G-A. GRCh37 (hg19) VCF-style: chr7-91652130-G-A.
Other names: c.3955G>A, p.Val1319Ile (NM_147185.3); short protein forms V1319I.
Identifiers: ClinVar variation 1449551 (VCV001449551.8), dbSNP rs1351358009, ClinGen allele CA368127649.

ClinVar aggregate classification (germline): Uncertain significance. Review status: criteria provided, multiple submitters, no conflicts (2 of 4 stars). 2 submissions from 2 submitters: Uncertain significance (2). Last evaluated 2025-11-17.

Conditions:
Long QT syndrome (LQTS). Identifiers: MedGen C0023976, MeSH D008133, MONDO:0002442. Disease mechanism: loss of function. Inheritance: Various modes of inheritance.
Cardiovascular phenotype. Identifiers: MedGen CN230736.

Allele frequency attached by ClinVar (database versions not stated): TOPMed below 0.00001; gnomAD exomes 0.00001.
gnomAD v4.1: 10 of 1,576,454 alleles (0.00063%); highest among the groups gnomAD compares: East Asian, 0.0022%; no homozygotes.

Submissions (2):

Labcorp Genetics (formerly Invitae), Labcorp
Classification: Uncertain significance for Long QT syndrome. Last evaluated: 2025-11-17. Review status: criteria provided, single submitter. Criteria: Invitae Variant Classification Sherloc (09022015). Collection method: clinical testing. Allele origin: germline.
Comment: This sequence change replaces valine, which is neutral and non-polar, with isoleucine, which is neutral and non-polar, at codon 1319 of the AKAP9 protein (p.Val1319Ile). This variant is present in population databases (no rsID available, gnomAD 0.006%). This variant has not been reported in the literature in individuals affected with AKAP9-related conditions. ClinVar contains an entry for this variant (Variation ID: 1449551). An algorithm developed to predict the effect of missense changes on protein structure and function outputs the following: PolyPhen-2: "Benign". The isoleucine amino acid residue is found in multiple mammalian species, which suggests that this missense change does not adversely affect protein function. In summary, the available evidence is currently insufficient to determine the role of this variant in disease. Therefore, it has been classified as a Variant of Uncertain Significance.

Ambry Genetics
Classification: Uncertain significance for Cardiovascular phenotype. Last evaluated: 2022-01-07. Review status: criteria provided, single submitter. Criteria: Ambry Variant Classification Scheme 2023. Collection method: clinical testing. Allele origin: germline.
Comment: The p.V1319I variant (also known as c.3955G>A), located in coding exon 14 of the AKAP9 gene, results from a G to A substitution at nucleotide position 3955. The valine at codon 1319 is replaced by isoleucine, an amino acid with highly similar properties. This amino acid position is conserved. In addition, this alteration is predicted to be tolerated by in silico analysis. Since supporting evidence is limited at this time, the clinical significance of this alteration remains unclear.